The following is an entry in ClinVar:

ClinVar aggregate classification (germline): Conflicting classifications of pathogenicity. Review status: criteria provided, conflicting classifications (1 of 4 stars). 4 submissions from 4 submitters: Uncertain significance (3); Likely benign (1). Last evaluated 2025-12-21.

Conditions:
FG syndrome (FGS). Identifiers: MedGen C0220769, MONDO:0002010.
Familial thoracic aortic aneurysm and aortic dissection (TAAD). Also called: Thoracic aortic aneurysms and dissections. Identifiers: Orphanet 91387, MedGen C4707243, MONDO:0019625.

Allele frequency attached by ClinVar (database versions not stated): gnomAD exomes below 0.00001; gnomAD 0.00002; TOPMed 0.00002.
gnomAD v4.1: 7 of 1,208,757 alleles (0.00058%); highest among the groups gnomAD compares: African/African-American, 0.0035%; no homozygotes.

Submissions (4):

Labcorp Genetics (formerly Invitae), Labcorp
Classification: Likely benign for FG syndrome. Last evaluated: 2025-12-21. Review status: criteria provided, single submitter. Criteria: Invitae Variant Classification Sherloc (09022015). Collection method: clinical testing. Allele origin: germline.

Ambry Genetics
Classification: Uncertain significance for Familial thoracic aortic aneurysm and aortic dissection. Last evaluated: 2025-01-06. Review status: criteria provided, single submitter. Criteria: Ambry Variant Classification Scheme 2023. Collection method: clinical testing. Allele origin: germline.
Comment: The p.R231Q variant (also known as c.692G>A), located in coding exon 5 of the MED12 gene, results from a G to A substitution at nucleotide position 692. The arginine at codon 231 is replaced by glutamine, an amino acid with highly similar properties. This amino acid position is conserved. In addition, this alteration is predicted to be tolerated by in silico analysis. Based on the available evidence, the clinical significance of this variant remains unclear.

Blueprint Genetics
Classification: Uncertain significance. Last evaluated: 2023-02-28. Review status: criteria provided, single submitter. Criteria: ACMG Guidelines, 2015. Collection method: clinical testing. Allele origin: germline.

Revvity Omics, Revvity
Classification: Uncertain significance. Last evaluated: 2022-06-27. Review status: criteria provided, single submitter. Criteria: ACMG Guidelines, 2015. Collection method: clinical testing. Allele origin: germline.

NM_005120.3(MED12):c.692G>A (p.Arg231Gln)

Gene: MED12 (mediator complex subunit 12; plus strand). Cytogenetic location: Xq13.1.
Variant type: single nucleotide variant.
Coding change: c.692G>A on transcript NM_005120.3 (MANE Select); coding-DNA position 692, G replaced by A.
Protein change: p.Arg231Gln; replaces arginine 231 with glutamine.
Molecular consequence: missense variant.
Genome position (GRCh38, 1-based): chrX:71,121,109, G>A. VCF-style: chrX-71121109-G-A. GRCh37 (hg19) VCF-style: chrX-70340959-G-A.
Other names: short protein forms R231Q.
Identifiers: ClinVar variation 1978843 (VCV001978843.10), dbSNP rs981968954, ClinGen allele CA330975448.
Genomic context (GRCh38, chrX:71,121,109, plus strand): 5'-GAAGTGGGGGCTGTGGTTCCACGATAGGGCCCTTGCCCCATGATGTAGAGGTGGCAATCC[G>A]GCAGTGGGATTACACCGAGAAGCTGGCCATGTTCATGTTTCAGGTAGAGAGTAGGGCATG-3'
Protein context (NP_005111.2, residues 221-241): PLPHDVEVAI[Arg231Gln]QWDYTEKLAM